The following is an entry in ClinVar:

NM_176824.3(BBS7):c.1097C>T (p.Ser366Phe)

Gene: BBS7 (Bardet-Biedl syndrome 7; minus strand). Cytogenetic location: 4q27.
Variant type: single nucleotide variant.
Coding change: c.1097C>T on transcript NM_176824.3 (MANE Select); coding-DNA position 1097, C replaced by T.
Protein change: p.Ser366Phe; replaces serine 366 with phenylalanine.
Molecular consequence: missense variant.
Genome position (GRCh38, 1-based): chr4:121,845,637, G>A on the plus strand (C>T on the coding strand, the complement: BBS7 is on the minus strand). VCF-style: chr4-121845637-G-A. GRCh37 (hg19) VCF-style: chr4-122766792-G-A.
Other names: c.1097C>T (NM_176824.2); c.1097C>T, p.Ser366Phe (NM_018190.4); short protein forms S366F.
Identifiers: ClinVar variation 1007755 (VCV001007755.8), dbSNP rs200373010, ClinGen allele CA3064318.

ClinVar aggregate classification (germline): Uncertain significance. Review status: criteria provided, multiple submitters, no conflicts (2 of 4 stars). 4 submissions from 4 submitters: Uncertain significance (4). Last evaluated 2025-12-19.

Conditions:
Bardet-Biedl syndrome (BBS). Identifiers: Orphanet 110, MedGen C0752166, MONDO:0015229.
Inborn genetic diseases. Identifiers: MedGen C0950123, MeSH D030342.
Bardet-Biedl syndrome 7 (BBS7). Identifiers: Orphanet 110, MedGen C1859565, MONDO:0014435, OMIM 615984.
BBS7-related disorder. Also called: BBS7-related condition.

Allele frequency attached by ClinVar (database versions not stated): gnomAD exomes below 0.00001 and 0.00002; ExAC 0.00004; gnomAD 0.00019 and 0.00020; TOPMed 0.00019; ESP Exome Variant Server 0.00023; 1000 Genomes Project 30x 0.00031; 1000 Genomes Project 0.00040.
gnomAD v4.1: 37 of 1,613,060 alleles (0.0023%); highest among the groups gnomAD compares: African/African-American, 0.045%; no homozygotes.

Submissions (4):

PreventionGenetics, part of Exact Sciences
Classification: Uncertain significance for BBS7-related condition. Last evaluated: 2025-12-19. Review status: criteria provided, single submitter. Criteria: ACMG Guidelines, 2015. Collection method: clinical testing. Allele origin: germline.
Comment: The BBS7 c.1097C>T variant is predicted to result in the amino acid substitution p.Ser366Phe. To our knowledge, this variant has not been reported in the literature. This variant is reported in 0.060% of alleles in individuals of African descent in gnomAD, which may be too common to be a primary cause of disease. While we suspect this variant may be benign, at this time, the clinical significance of this variant is uncertain due to the absence of conclusive functional and genetic evidence.

Ambry Genetics
Classification: Uncertain significance for Inborn genetic diseases. Last evaluated: 2023-11-03. Review status: criteria provided, single submitter. Criteria: Ambry Variant Classification Scheme 2023. Collection method: clinical testing. Allele origin: germline.

Labcorp Genetics (formerly Invitae), Labcorp
Classification: Uncertain significance for Bardet-Biedl syndrome. Last evaluated: 2022-09-06. Review status: criteria provided, single submitter. Criteria: Invitae Variant Classification Sherloc (09022015). Collection method: clinical testing. Allele origin: germline.
Comment: This sequence change replaces serine, which is neutral and polar, with phenylalanine, which is neutral and non-polar, at codon 366 of the BBS7 protein (p.Ser366Phe). This variant is present in population databases (rs200373010, gnomAD 0.07%). This variant has not been reported in the literature in individuals affected with BBS7-related conditions. ClinVar contains an entry for this variant (Variation ID: 1007755). Algorithms developed to predict the effect of missense changes on protein structure and function are either unavailable or do not agree on the potential impact of this missense change (SIFT: "Deleterious"; PolyPhen-2: "Benign"; Align-GVGD: "Class C0"). In summary, the available evidence is currently insufficient to determine the role of this variant in disease. Therefore, it has been classified as a Variant of Uncertain Significance.

Fulgent Genetics
Classification: Uncertain significance for Bardet-Biedl syndrome 7. Last evaluated: 2021-11-03. Review status: criteria provided, single submitter. Criteria: ACMG Guidelines, 2015. Collection method: clinical testing. Allele origin: unknown.